The following is an entry in ClinVar:

NM_014845.6(FIG4):c.396G>A (p.Met132Ile)

Gene: FIG4 (FIG4 phosphoinositide 5-phosphatase; plus strand). Cytogenetic location: 6q21.
Variant type: single nucleotide variant.
Coding change: c.396G>A on transcript NM_014845.6 (MANE Select); coding-DNA position 396, G replaced by A.
Protein change: p.Met132Ile; replaces methionine 132 with isoleucine.
Molecular consequence: missense variant.
Genome position (GRCh38, 1-based): chr6:109,727,215, G>A. VCF-style: chr6-109727215-G-A. GRCh37 (hg19) VCF-style: chr6-110048418-G-A.
Other names: p.Met132Ile; c.396G>A (NM_014845.5); short protein forms M132I.
Identifiers: ClinVar variation 1418552 (VCV001418552.10), dbSNP rs1775847696, ClinGen allele CA365217208.

ClinVar aggregate classification (germline): Uncertain significance. Review status: criteria provided, multiple submitters, no conflicts (2 of 4 stars). 3 submissions from 3 submitters: Uncertain significance (3). Last evaluated 2024-05-07.

Conditions:
Charcot-Marie-Tooth disease type 4. Also called: Charcot-Marie-Tooth disease, type IV; Charcot-Marie-Tooth, Type 4. Identifiers: Orphanet 64749, MedGen C4082197, MONDO:0018995.
Inborn genetic diseases. Identifiers: MedGen C0950123, MeSH D030342.

Allele frequency attached by ClinVar (database versions not stated): gnomAD exomes below 0.00001; gnomAD 0.00001; TOPMed 0.00003.

Submissions (3):

Ambry Genetics
Classification: Uncertain significance for Inborn genetic diseases. Last evaluated: 2024-05-07. Review status: criteria provided, single submitter. Criteria: Ambry Variant Classification Scheme 2023. Collection method: clinical testing. Allele origin: germline.
Comment: The p.M132I variant (also known as c.396G>A), located in coding exon 4 of the FIG4 gene, results from a G to A substitution at nucleotide position 396. The methionine at codon 132 is replaced by isoleucine, an amino acid with highly similar properties. This amino acid position is conserved. In addition, the in silico prediction for this alteration is inconclusive. Based on the available evidence, the clinical significance of this variant remains unclear.

Mayo Clinic Laboratories, Mayo Clinic
Classification: Uncertain significance. Last evaluated: 2022-07-29. Review status: criteria provided, single submitter. Criteria: ACMG Guidelines, 2015. Collection method: clinical testing. Allele origin: germline. Observed: 1 variant allele.
Comment: PM2

Labcorp Genetics (formerly Invitae), Labcorp
Classification: Uncertain significance for Charcot-Marie-Tooth disease type 4. Last evaluated: 2022-02-24. Review status: criteria provided, single submitter. Criteria: Invitae Variant Classification Sherloc (09022015). Collection method: clinical testing. Allele origin: germline.
Comment: Algorithms developed to predict the effect of missense changes on protein structure and function (SIFT, PolyPhen-2, Align-GVGD) all suggest that this variant is likely to be tolerated. This variant has not been reported in the literature in individuals affected with FIG4-related conditions. This variant is not present in population databases (gnomAD no frequency). This sequence change replaces methionine, which is neutral and non-polar, with isoleucine, which is neutral and non-polar, at codon 132 of the FIG4 protein (p.Met132Ile). In summary, the available evidence is currently insufficient to determine the role of this variant in disease. Therefore, it has been classified as a Variant of Uncertain Significance.